The following is an entry in ClinVar:

NM_000540.3(RYR1):c.9288C>T (p.Phe3096=)

Gene: RYR1 (ryanodine receptor 1; plus strand). Cytogenetic location: 19q13.2.
Variant type: single nucleotide variant.
Coding change: c.9288C>T on transcript NM_000540.3 (MANE Select); coding-DNA position 9288, C replaced by T.
Protein change: p.Phe3096=; no amino-acid change (phenylalanine 3096 retained).
Molecular consequence: synonymous variant.
Genome position (GRCh38, 1-based): chr19:38,512,299, C>T. VCF-style: chr19-38512299-C-T. GRCh37 (hg19) VCF-style: chr19-39002939-C-T.
Other names: c.9288C>T, p.Phe3096= (NM_001042723.2).
Identifiers: ClinVar variation 510529 (VCV000510529.10), dbSNP rs374011553, ClinGen allele CA073453.

ClinVar aggregate classification (germline): Likely benign. Review status: criteria provided, multiple submitters, no conflicts (2 of 4 stars). 4 submissions from 4 submitters: Likely benign (4). Last evaluated 2024-04-16.

Conditions:
RYR1-related disorder. Also called: RYR1-related condition; RYR1-related disorders. Identifiers: MedGen CN239331.
Malignant hyperthermia, susceptibility to, 1 (MHS1). Also called: Anesthesia related hyperthermia; Malignant hyperpyrexia; Fulminating hyperpyrexia; Pharmacogenic myopathy; RYR1-Related Malignant Hyperthermia Susceptibility; Malignant hyperthermia suceptibility 1. Identifiers: Orphanet 423, MedGen C2930980, MONDO:0007783, OMIM 145600.

Allele frequency attached by ClinVar (database versions not stated): gnomAD 0.00001; gnomAD exomes 0.00001 and 0.00002; TOPMed 0.00002; ExAC 0.00003; ESP Exome Variant Server 0.00008.
gnomAD v4.1: 13 of 1,614,110 alleles (0.00081%); highest among the groups gnomAD compares: African/African-American, 0.004%; no homozygotes.

Submissions (4):

All of Us Research Program, National Institutes of Health
Classification: Likely benign for Malignant hyperthermia, susceptibility to, 1. Last evaluated: 2024-04-16. Review status: criteria provided, single submitter. Criteria: ACMG Guidelines, 2015. Collection method: clinical testing. Allele origin: germline. Inheritance: Autosomal dominant inheritance. Observed: 3 variant alleles, 3 heterozygotes.
Comment: This study involves interpretation of variants in research participants for the purpose of population health screening. Participant phenotype was not available at the time of variant classification. Additional details can be found in publication PMID: 35346344, PMCID: PMC8962531

Labcorp Genetics (formerly Invitae), Labcorp
Classification: Likely benign for RYR1-related disorder. Last evaluated: 2023-10-24. Review status: criteria provided, single submitter. Criteria: Invitae Variant Classification Sherloc (09022015). Collection method: clinical testing. Allele origin: germline.

Color Diagnostics, LLC DBA Color Health
Classification: Likely benign for Malignant hyperthermia, susceptibility to, 1. Last evaluated: 2022-11-06. Review status: criteria provided, single submitter. Criteria: ACMG Guidelines, 2015. Collection method: clinical testing. Allele origin: germline.

GeneDx
Classification: Likely benign. Last evaluated: 2017-07-05. Review status: criteria provided, single submitter. Criteria: GeneDx Variant Classification (06012015). Collection method: clinical testing. Allele origin: germline. Affected: yes.
Comment: This variant is considered likely benign or benign based on one or more of the following criteria: it is a conservative change, it occurs at a poorly conserved position in the protein, it is predicted to be benign by multiple in silico algorithms, and/or has population frequency not consistent with disease.